The following is an entry in ClinVar:

ClinVar aggregate classification (germline): Likely benign. Review status: criteria provided, single submitter (1 of 4 stars). 2 submissions from 2 submitters: Likely benign (1). 1 of the submissions does not count toward it. Last evaluated 2019-09-01.

Conditions:
Renal carnitine transport defect (CDSP). Also called: Systemic primary carnitine deficiency disease; Carnitine transporter deficiency; Carnitine Deficiency, Systemic; Systemic primary carnitine deficiency; CARNITINE DEFICIENCY, SYSTEMIC, DUE TO DEFECT IN RENAL REABSORPTION OF CARNITINE; CARNITINE TRANSPORTER, PLASMA-MEMBRANE, DEFICIENCY OF. Identifiers: Orphanet 158, MedGen C0342788, MONDO:0008919, OMIM 212140.
SLC22A5-related disorder. Also called: SLC22A5-related condition.

Submissions (2):

Labcorp Genetics (formerly Invitae), Labcorp
Classification: Likely benign for Renal carnitine transport defect. Last evaluated: 2019-09-01. Review status: criteria provided, single submitter. Criteria: Invitae Variant Classification Sherloc (09022015). Collection method: clinical testing. Allele origin: germline.

PreventionGenetics, part of Exact Sciences
Classification: Likely benign for SLC22A5-related condition. Last evaluated: 2021-10-14. Review status: no assertion criteria provided. Collection method: clinical testing. Allele origin: germline. Not counted in ClinVar's aggregate classification.
Comment: This variant is classified as likely benign based on ACMG/AMP sequence variant interpretation guidelines (Richards et al. 2015 PMID: 25741868, with internal and published modifications).

NM_003060.4(SLC22A5):c.819C>G (p.Leu273=)

Gene: SLC22A5 (solute carrier family 22 member 5; plus strand). Cytogenetic location: 5q31.1.
Variant type: single nucleotide variant.
Coding change: c.819C>G on transcript NM_003060.4 (MANE Select); coding-DNA position 819, C replaced by G.
Protein change: p.Leu273=; no amino-acid change (leucine 273 retained).
Molecular consequence: synonymous variant.
Genome position (GRCh38, 1-based): chr5:132,385,494, C>G. VCF-style: chr5-132385494-C-G. GRCh37 (hg19) VCF-style: chr5-131721186-C-G.
Other names: c.819C>G (NM_003060.3); c.891C>G, p.Leu297= (NM_001308122.2).
Identifiers: ClinVar variation 1105759 (VCV001105759.11), dbSNP rs1752497453, ClinGen allele CA446330572.
Genomic context (GRCh38, chr5:132,385,494, plus strand): 5'-CCGAGACTGGCGGATGCTGCTGGTGGCGCTGACGATGCCGGGGGTGCTATGCGTGGCACT[C>G]TGGTGGTGAGTGTGACCTTGTGCCCCATGTGCCCACTGGCAGGATGATTTCTGTCTGGCC-3'
Protein context (NP_003051.1, residues 263-283): LTMPGVLCVA[Leu273=]WWFIPESPRW